The following is an entry in ClinVar:

NM_006949.4(STXBP2):c.751G>C (p.Ala251Pro)

Gene: STXBP2 (syntaxin binding protein 2; plus strand). Cytogenetic location: 19p13.2.
Variant type: single nucleotide variant.
Coding change: c.751G>C on transcript NM_006949.4 (MANE Select); coding-DNA position 751, G replaced by C.
Protein change: p.Ala251Pro; replaces alanine 251 with proline.
Molecular consequence: missense variant. On other transcripts: non-coding transcript variant (1).
Genome position (GRCh38, 1-based): chr19:7,642,290, G>C. VCF-style: chr19-7642290-G-C. GRCh37 (hg19) VCF-style: chr19-7707176-G-C.
Other names: c.742G>C, p.Ala248Pro (NM_001127396.3); c.784G>C, p.Ala262Pro (NM_001272034.2); short protein forms A248P, A251P, A262P.
Identifiers: ClinVar variation 1708714 (VCV001708714.3), dbSNP rs747657429, ClinGen allele CA9143782.

ClinVar aggregate classification (germline): Uncertain significance. Review status: criteria provided, multiple submitters, no conflicts (2 of 4 stars). 2 submissions from 2 submitters: Uncertain significance (2). Last evaluated 2024-10-30.

Conditions:
Familial hemophagocytic lymphohistiocytosis 5. Also called: STXBP2-Related Familial Hemophagocytic Lymphohistiocytosis (STXBP2-fHLH). Identifiers: Orphanet 540, MedGen C2751293, MONDO:0013135, OMIM 613101.

Allele frequency attached by ClinVar (database versions not stated): ExAC 0.00001.
gnomAD v4.1: 5 of 1,614,122 alleles (0.00031%); highest among the groups gnomAD compares: Admixed American, 0.0083%; no homozygotes.

Submissions (2):

Labcorp Genetics (formerly Invitae), Labcorp
Classification: Uncertain significance for Familial hemophagocytic lymphohistiocytosis 5. Last evaluated: 2024-10-30. Review status: criteria provided, single submitter. Criteria: Invitae Variant Classification Sherloc (09022015). Collection method: clinical testing. Allele origin: germline.
Comment: This sequence change replaces alanine, which is neutral and non-polar, with proline, which is neutral and non-polar, at codon 251 of the STXBP2 protein (p.Ala251Pro). This variant is present in population databases (rs747657429, gnomAD 0.02%). This variant has not been reported in the literature in individuals affected with STXBP2-related conditions. ClinVar contains an entry for this variant (Variation ID: 1708714). Invitae Evidence Modeling of protein sequence and biophysical properties (such as structural, functional, and spatial information, amino acid conservation, physicochemical variation, residue mobility, and thermodynamic stability) has been performed for this missense variant. However, the output from this modeling did not meet the statistical confidence thresholds required to predict the impact of this variant on STXBP2 protein function. In summary, the available evidence is currently insufficient to determine the role of this variant in disease. Therefore, it has been classified as a Variant of Uncertain Significance.

GeneDx
Classification: Uncertain significance. Last evaluated: 2022-04-04. Review status: criteria provided, single submitter. Criteria: GeneDx Variant Classification Process June 2021. Collection method: clinical testing. Allele origin: germline. Affected: yes.
Comment: In silico analysis supports that this missense variant has a deleterious effect on protein structure/function; Has not been previously published as pathogenic or benign to our knowledge